The following is an entry in ClinVar:

ClinVar aggregate classification (germline): Uncertain significance (1 of 4 stars; one submission).

Submission:

Ambry Genetics
Classification: Uncertain significance. Last evaluated: 2021-09-29. Review status: criteria provided, single submitter. Criteria: Ambry Variant Classification Scheme 2023. Collection method: clinical testing. Allele origin: germline.
Comment: The p.H935N variant (also known as c.2803C>A), located in coding exon 25 of the PRKDC gene, results from a C to A substitution at nucleotide position 2803. The histidine at codon 935 is replaced by asparagine, an amino acid with similar properties. This amino acid position is conserved. In addition, the in silico prediction for this alteration is inconclusive. Since supporting evidence is limited at this time, the clinical significance of this alteration remains unclear.

NM_006904.7(PRKDC):c.2803C>A (p.His935Asn)

Gene: PRKDC (protein kinase, DNA-activated, catalytic subunit; minus strand). Cytogenetic location: 8q11.21.
Variant type: single nucleotide variant.
Coding change: c.2803C>A on transcript NM_006904.7 (MANE Select); coding-DNA position 2803, C replaced by A.
Protein change: p.His935Asn; replaces histidine 935 with asparagine.
Molecular consequence: missense variant.
Genome position (GRCh38, 1-based): chr8:47,912,541, G>T on the plus strand (C>A on the coding strand, the complement: PRKDC is on the minus strand). VCF-style: chr8-47912541-G-T. GRCh37 (hg19) VCF-style: chr8-48825101-G-T.
Other names: c.2803C>A, p.His935Asn (NM_001081640.2); short protein forms H935N.
Identifiers: ClinVar variation 1796238 (VCV001796238.2), dbSNP rs2551876677, ClinGen allele CA371158935.